The following is an entry in ClinVar:

NM_000070.3(CAPN3):c.1886G>A (p.Ser629Asn)

Gene: CAPN3 (calpain 3; plus strand). Cytogenetic location: 15q15.1.
Variant type: single nucleotide variant.
Coding change: c.1886G>A on transcript NM_000070.3 (MANE Select); coding-DNA position 1886, G replaced by A.
Protein change: p.Ser629Asn; replaces serine 629 with asparagine.
Molecular consequence: missense variant. On other transcripts: intron variant (3).
Genome position (GRCh38, 1-based): chr15:42,408,296, G>A. VCF-style: chr15-42408296-G-A. GRCh37 (hg19) VCF-style: chr15-42700494-G-A.
Other names: c.1868G>A, p.Ser623Asn (NM_024344.2); c.350G>A, p.Ser117Asn (NM_173088.2); c.1639-1007G>A (NM_173087.2); c.-81-1007G>A (NM_173090.2, NM_173089.2); short protein forms S623N, S117N, S629N.
Identifiers: ClinVar variation 962712 (VCV000962712.5), dbSNP rs1352460433, ClinGen allele CA392000843.
Genomic context (GRCh38, chr15:42,408,296, plus strand): 5'-CAAACAGCAACAAGGAGCTGGGTGTGGACCAGGAGTCAGAGGAGGGCAAAGGCAAAACAA[G>A]CCCTGATAAGCAAAAGCAGTCCCCACAGGTGTCTGGGCATGTGGCATGGGTGGGGTGGCC-3'
Protein context (NP_000061.1, residues 619-639): QESEEGKGKT[Ser629Asn]PDKQKQSPQP

ClinVar aggregate classification (germline): Uncertain significance (1 of 4 stars; one submission).

Conditions:
Autosomal recessive limb-girdle muscular dystrophy type 2A (LGMDR1). Also called: Limb-girdle muscular dystrophy, type 2A; Calpainopathy; LEYDEN-MOEBIUS MUSCULAR DYSTROPHY; MUSCULAR DYSTROPHY, PELVOFEMORAL; Muscular dystrophy, limb-girdle, type 2A, Amish. Identifiers: Orphanet 267, MedGen C1869123, MONDO:0009675, OMIM 253600. Disease mechanism: loss of function.

Allele frequency attached by ClinVar (database versions not stated): gnomAD exomes 0.00001.
gnomAD v4.1: 9 of 1,613,568 alleles (0.00056%); highest among the groups gnomAD compares: Non-Finnish European, 0.00076%; no homozygotes.

Submission:

Labcorp Genetics (formerly Invitae), Labcorp
Classification: Uncertain significance for Autosomal recessive limb-girdle muscular dystrophy type 2A. Last evaluated: 2024-10-27. Review status: criteria provided, single submitter. Criteria: Invitae Variant Classification Sherloc (09022015). Collection method: clinical testing. Allele origin: germline.
Comment: This sequence change replaces serine, which is neutral and polar, with asparagine, which is neutral and polar, at codon 629 of the CAPN3 protein (p.Ser629Asn). This variant is present in population databases (no rsID available, gnomAD 0.002%). This variant has not been reported in the literature in individuals affected with CAPN3-related conditions. ClinVar contains an entry for this variant (Variation ID: 962712). Invitae Evidence Modeling of protein sequence and biophysical properties (such as structural, functional, and spatial information, amino acid conservation, physicochemical variation, residue mobility, and thermodynamic stability) has been performed for this missense variant. However, the output from this modeling did not meet the statistical confidence thresholds required to predict the impact of this variant on CAPN3 protein function. In summary, the available evidence is currently insufficient to determine the role of this variant in disease. Therefore, it has been classified as a Variant of Uncertain Significance.